The following is an entry in ClinVar:

ClinVar aggregate classification (germline): Uncertain significance. Review status: criteria provided, multiple submitters, no conflicts (2 of 4 stars). 3 submissions from 3 submitters: Uncertain significance (3). Last evaluated 2025-11-25.

Conditions:
Immunodeficiency, common variable, 5. Also called: ANTIBODY DEFICIENCY DUE TO CD20 DEFECT. Identifiers: Orphanet 1572, MedGen C3150740, MONDO:0013285, OMIM 613495.

Allele frequency attached by ClinVar (database versions not stated): ExAC 0.00019; gnomAD exomes 0.00023; gnomAD 0.00036 and 0.00038; TOPMed 0.00037; ESP Exome Variant Server 0.00038.
gnomAD v4.1: 965 of 1,613,260 alleles (0.06%); highest among the groups gnomAD compares: Non-Finnish European, 0.074%; no homozygotes.

Submissions (3):

Labcorp Genetics (formerly Invitae), Labcorp
Classification: Uncertain significance. Last evaluated: 2025-11-25. Review status: criteria provided, single submitter. Criteria: Invitae Variant Classification Sherloc (09022015). Collection method: clinical testing. Allele origin: germline.
Comment: This sequence change replaces isoleucine, which is neutral and non-polar, with leucine, which is neutral and non-polar, at codon 118 of the MS4A1 protein (p.Ile118Leu). This variant is present in population databases (rs201245387, gnomAD 0.05%). This variant has not been reported in the literature in individuals affected with MS4A1-related conditions. ClinVar contains an entry for this variant (Variation ID: 1037439). An algorithm developed to predict the effect of missense changes on protein structure and function (PolyPhen-2) suggests that this variant is likely to be tolerated. In summary, the available evidence is currently insufficient to determine the role of this variant in disease. Therefore, it has been classified as a Variant of Uncertain Significance.

Mayo Clinic Laboratories, Mayo Clinic
Classification: Uncertain significance. Last evaluated: 2023-11-30. Review status: criteria provided, single submitter. Criteria: ACMG Guidelines, 2015. Collection method: clinical testing. Allele origin: germline. Observed: 1 variant allele.
Comment: BP4

Fulgent Genetics
Classification: Uncertain significance for Immunodeficiency, common variable, 5. Last evaluated: 2021-10-15. Review status: criteria provided, single submitter. Criteria: ACMG Guidelines, 2015. Collection method: clinical testing. Allele origin: unknown.

NM_152866.3(MS4A1):c.352A>C (p.Ile118Leu)

Gene: MS4A1 (membrane spanning 4-domains A1; plus strand). Cytogenetic location: 11q12.2.
Variant type: single nucleotide variant.
Coding change: c.352A>C on transcript NM_152866.3 (MANE Select); coding-DNA position 352, A replaced by C.
Protein change: p.Ile118Leu; replaces isoleucine 118 with leucine.
Molecular consequence: missense variant.
Genome position (GRCh38, 1-based): chr11:60,465,936, A>C. VCF-style: chr11-60465936-A-C. GRCh37 (hg19) VCF-style: chr11-60233409-A-C.
Other names: p.Ile118Leu; c.352A>C, p.Ile118Leu (NM_021950.4, NM_152867.2); c.352A>C (NM_152866.2); short protein forms I118L.
Identifiers: ClinVar variation 1037439 (VCV001037439.8), dbSNP rs201245387, ClinGen allele CA6024983.